The following is an entry in ClinVar:

ClinVar aggregate classification (germline): Conflicting classifications of pathogenicity. Review status: criteria provided, conflicting classifications (1 of 4 stars). 2 submissions from 2 submitters: Uncertain significance (1); Benign (1). Last evaluated 2025-10-28.

Conditions:
Fanconi anemia complementation group O. Also called: RAD51C-Related Fanconi Anemia. Identifiers: Orphanet 84, MedGen C3150653, MONDO:0013248, OMIM 613390.
Hereditary cancer-predisposing syndrome. Also called: Neoplastic Syndromes, Hereditary; Hereditary Cancer Syndrome; Hereditary neoplastic syndrome; Tumor predisposition. Identifiers: Orphanet 140162, MedGen C0027672, MeSH D009386, MONDO:0015356.

Submissions (2):

Ambry Genetics
Classification: Benign for Hereditary cancer-predisposing syndrome. Last evaluated: 2025-10-28. Review status: criteria provided, single submitter. Criteria: Ambry Variant Classification Scheme 2023. Collection method: clinical testing. Allele origin: germline.

Labcorp Genetics (formerly Invitae), Labcorp
Classification: Uncertain significance for Fanconi anemia complementation group O. Last evaluated: 2024-06-16. Review status: criteria provided, single submitter. Criteria: Invitae Variant Classification Sherloc (09022015). Collection method: clinical testing. Allele origin: germline.
Comment: This sequence change replaces glycine, which is neutral and non-polar, with tryptophan, which is neutral and slightly polar, at codon 3 of the RAD51C protein (p.Gly3Trp). This variant is not present in population databases (gnomAD no frequency). This variant has not been reported in the literature in individuals affected with RAD51C-related conditions. ClinVar contains an entry for this variant (Variation ID: 849267). An algorithm developed to predict the effect of missense changes on protein structure and function (PolyPhen-2) suggests that this variant is likely to be disruptive. In summary, the available evidence is currently insufficient to determine the role of this variant in disease. Therefore, it has been classified as a Variant of Uncertain Significance.

NM_058216.3(RAD51C):c.7G>T (p.Gly3Trp)

Gene: RAD51C (RAD51 paralog C; plus strand). Cytogenetic location: 17q22.
Variant type: single nucleotide variant.
Coding change: c.7G>T on transcript NM_058216.3 (MANE Select); coding-DNA position 7, G replaced by T.
Protein change: p.Gly3Trp; replaces glycine 3 with tryptophan.
Molecular consequence: missense variant. On other transcripts: non-coding transcript variant (2).
Genome position (GRCh38, 1-based): chr17:58,692,650, G>T. VCF-style: chr17-58692650-G-T. GRCh37 (hg19) VCF-style: chr17-56770011-G-T.
Other names: c.7G>T, p.Gly3Trp (NM_002876.4); c.7G>T (NM_058216.1); short protein forms G3W.
Identifiers: ClinVar variation 849267 (VCV000849267.9), dbSNP rs376403182, ClinGen allele CA400336094.